The following is an entry in ClinVar:

NM_016156.6(MTMR2):c.1637G>A (p.Ser546Asn)

Gene: MTMR2 (myotubularin related protein 2; minus strand). Cytogenetic location: 11q21.
Variant type: single nucleotide variant.
Coding change: c.1637G>A on transcript NM_016156.6 (MANE Select); coding-DNA position 1637, G replaced by A.
Protein change: p.Ser546Asn; replaces serine 546 with asparagine.
Molecular consequence: missense variant.
Genome position (GRCh38, 1-based): chr11:95,836,281, C>T on the plus strand (G>A on the coding strand, the complement: MTMR2 is on the minus strand). VCF-style: chr11-95836281-C-T. GRCh37 (hg19) VCF-style: chr11-95569445-C-T.
Other names: c.1421G>A, p.Ser474Asn (NM_201278.3, NM_201281.3, NM_001243571.2); short protein forms S474N, S546N.
Identifiers: ClinVar variation 971317 (VCV000971317.6), dbSNP rs376530848, ClinGen allele CA6239906.
Genomic context (GRCh38, chr11:95,836,281, plus strand): 5'-GGATAAAGGACATGATTGGAATAGCTCCCATAGAGAGGATTAGTGAAGTCTTCCAGCTGG[C>T]TGTTTATGTAAGACCACAGTGACACAGTCCTTTTAGGAAGATTCTGTAGGCAGGAAAAAT-3'
Protein context (NP_057240.3, residues 536-556): RTVSLWSYIN[Ser546Asn]QLEDFTNPLY

ClinVar aggregate classification (germline): Uncertain significance. Review status: criteria provided, multiple submitters, no conflicts (2 of 4 stars). 2 submissions from 2 submitters: Uncertain significance (2). Last evaluated 2023-12-18.

Conditions:
Charcot-Marie-Tooth disease type 4. Also called: Charcot-Marie-Tooth, Type 4; Charcot-Marie-Tooth disease, type IV. Identifiers: Orphanet 64749, MedGen C4082197, MONDO:0018995.
Inborn genetic diseases. Identifiers: MedGen C0950123, MeSH D030342.

Allele frequency attached by ClinVar (database versions not stated): TOPMed 0.00002.
gnomAD v4.1: 7 of 1,612,818 alleles (0.00043%); highest among the groups gnomAD compares: East Asian, 0.0067%; no homozygotes.

Submissions (2):

Ambry Genetics
Classification: Uncertain significance for Inborn genetic diseases. Last evaluated: 2023-12-18. Review status: criteria provided, single submitter. Criteria: Ambry Variant Classification Scheme 2023. Collection method: clinical testing. Allele origin: germline.

Labcorp Genetics (formerly Invitae), Labcorp
Classification: Uncertain significance for Charcot-Marie-Tooth disease type 4. Last evaluated: 2021-08-28. Review status: criteria provided, single submitter. Criteria: Invitae Variant Classification Sherloc (09022015). Collection method: clinical testing. Allele origin: germline.
Comment: This sequence change replaces serine with asparagine at codon 546 of the MTMR2 protein (p.Ser546Asn). The serine residue is highly conserved and there is a small physicochemical difference between serine and asparagine. This variant is present in population databases (rs376530848, ExAC 0.03%). This variant has not been reported in the literature in individuals affected with MTMR2-related conditions. Algorithms developed to predict the effect of missense changes on protein structure and function are either unavailable or do not agree on the potential impact of this missense change (SIFT: "Deleterious"; PolyPhen-2: "Benign"; Align-GVGD: "Class C0"). In summary, the available evidence is currently insufficient to determine the role of this variant in disease. Therefore, it has been classified as a Variant of Uncertain Significance.